The following is an entry in ClinVar:

NM_007294.4(BRCA1):c.3031G>T (p.Glu1011Ter)

Gene: BRCA1 (BRCA1 DNA repair associated; minus strand). Cytogenetic location: 17q21.31.
Variant type: single nucleotide variant.
Coding change: c.3031G>T on transcript NM_007294.4 (MANE Select); coding-DNA position 3031, G replaced by T.
Protein change: p.Glu1011Ter; replaces glutamic acid 1011 with a stop codon.
Molecular consequence: nonsense. On other transcripts: intron variant (137).
Genome position (GRCh38, 1-based): chr17:43,092,500, C>A on the plus strand (G>T on the coding strand, the complement: BRCA1 is on the minus strand). VCF-style: chr17-43092500-C-A. GRCh37 (hg19) VCF-style: chr17-41244517-C-A.
Other names: c.2818G>T, p.Glu940Ter (NM_001407571.1, NM_001407853.1, NM_001407894.1 and 9 more transcripts); c.3031G>T, p.Glu1011Ter (NM_001407581.1, NM_001407582.1, NM_001407583.1 and 30 more transcripts); c.3028G>T, p.Glu1010Ter (NM_001407587.1, NM_001407590.1, NM_001407591.1 and 22 more transcripts); c.3022G>T, p.Glu1008Ter (NM_001407646.1, NM_001407647.1); c.2908G>T, p.Glu970Ter (NM_001407648.1, NM_001407664.1, NM_001407665.1 and 19 more transcripts); c.2905G>T, p.Glu969Ter (NM_001407649.1, NM_001407670.1, NM_001407671.1 and 11 more transcripts); c.2953G>T, p.Glu985Ter (NM_001407653.1, NM_001407654.1, NM_001407655.1 and 4 more transcripts); c.2950G>T, p.Glu984Ter (NM_001407659.1, NM_001407660.1, NM_001407661.1 and 1 more transcripts); and 41 more; short protein forms E1011*, E964*, E944*, E963*, E969*, E984*, E899*, E900*.
Identifiers: ClinVar variation 1452453 (VCV001452453.7), dbSNP rs876659974, ClinGen allele CA10595931.

ClinVar aggregate classification (germline): Pathogenic (1 of 4 stars; one submission).

Conditions:
Hereditary breast ovarian cancer syndrome. Also called: Hereditary breast and ovarian cancer; Hereditary breast and ovarian cancer syndrome (HBOC); Breast and ovarian cancer; Hereditary breast and ovarian cancer syndrome; Hereditary breast and/or ovarian cancer syndrome; BRCA1- and BRCA2-Associated Hereditary Breast and Ovarian Cancer. Identifiers: Orphanet 145, MedGen C0677776, MeSH D061325, MONDO:0003582. Disease mechanism: loss of function.

Submission:

Labcorp Genetics (formerly Invitae), Labcorp
Classification: Pathogenic for Hereditary breast ovarian cancer syndrome. Last evaluated: 2021-03-09. Review status: criteria provided, single submitter. Criteria: Invitae Variant Classification Sherloc (09022015). Collection method: clinical testing. Allele origin: germline.
Comment: This variant has not been reported in the literature in individuals with BRCA1-related conditions. This variant is not present in population databases (ExAC no frequency). This sequence change creates a premature translational stop signal (p.Glu1011*) in the BRCA1 gene. It is expected to result in an absent or disrupted protein product. Loss-of-function variants in BRCA1 are known to be pathogenic (PMID: 20104584). For these reasons, this variant has been classified as Pathogenic.

Literature cited by the submitters: PubMed 20104584.